The following is an entry in ClinVar:

ClinVar aggregate classification (germline): Uncertain significance. Review status: criteria provided, multiple submitters, no conflicts (2 of 4 stars). 2 submissions from 2 submitters: Uncertain significance (2). Last evaluated 2026-04-14.

Conditions:
Familial intrahepatic cholestasis. Identifiers: Orphanet 284385, MedGen CN296401, MONDO:0017290.

gnomAD v4.1: 4 of 1,613,898 alleles (0.00025%); highest among the groups gnomAD compares: South Asian, 0.0022%; no homozygotes.

Submissions (2):

Genomenon, Inc
Classification: Uncertain significance for Familial intrahepatic cholestasis. Last evaluated: 2026-04-14. Review status: criteria provided, single submitter. Criteria: Genomenon Sequence Variant Interpretation Standards - Updated. Collection method: curation. Allele origin: germline. Affected: no.
Comment: ABCB11 p.Ala926Ser (c.2776G>T) is a missense variant that changes the amino acid at residue 926 from Alanine to Serine. This variant has been reported in the published literature (PMID:37208429). It is absent or not present at a significant frequency in gnomAD. In conclusion, we classify ABCB11 p.Ala926Ser (c.2776G>T) as a variant of uncertain significance.

Women's Health and Genetics/Laboratory Corporation of America, LabCorp
Classification: Uncertain significance. Last evaluated: 2025-02-05. Review status: criteria provided, single submitter. Criteria: LabCorp Variant Classification Summary - May 2015. Collection method: clinical testing. Allele origin: germline.
Comment: Variant summary: ABCB11 c.2776G>T (p.Ala926Ser) results in a conservative amino acid change in the encoded protein sequence. Three of five in-silico tools predict a damaging effect of the variant on protein function. The variant was absent in 248702 control chromosomes. The available data on variant occurrences in the general population are insufficient to allow any conclusion about variant significance. c.2776G>T has been reported in the literature in a study to screen for variants in genes associated with Familial Intrahepatic Cholestasis (Zllner_2023). These report(s) do not provide unequivocal conclusions about association of the variant with Familial Intrahepatic Cholestasis. To our knowledge, no experimental evidence demonstrating an impact on protein function has been reported.The following publication have been ascertained in the context of this evaluation (PMID: 37208429). No submitters have cited clinical-significance assessments for this variant to ClinVar. Based on the evidence outlined above, the variant was classified as uncertain significance.

Literature cited by the submitters: PubMed 37208429 (cited by Genomenon, Inc and Women's Health and Genetics/Laboratory Corporation of America, LabCorp).

NM_003742.4(ABCB11):c.2776G>T (p.Ala926Ser)

Genes: ABCB11 (ATP binding cassette subfamily B member 11; minus strand), LOC126806400 (CDK7 strongly-dependent group 2 enhancer GRCh37_chr2:169791870-169793069; plus strand). Cytogenetic location: 2q31.1.
Variant type: single nucleotide variant.
Coding change: c.2776G>T on transcript NM_003742.4 (MANE Select); coding-DNA position 2776, G replaced by T.
Protein change: p.Ala926Ser; replaces alanine 926 with serine.
Molecular consequence: missense variant.
Genome position (GRCh38, 1-based): chr2:168,936,268, C>A on the plus strand (G>T on the coding strand, the complement: ABCB11 is on the minus strand). VCF-style: chr2-168936268-C-A. GRCh37 (hg19) VCF-style: chr2-169792778-C-A.
Other names: short protein forms A926S.
Identifiers: ClinVar variation 3768734 (VCV003768734.2).